The following is an entry in ClinVar:

NM_000113.3(TOR1A):c.440A>G (p.Tyr147Cys)

Gene: TOR1A (torsin family 1 member A; minus strand). Cytogenetic location: 9q34.11.
Variant type: single nucleotide variant.
Coding change: c.440A>G on transcript NM_000113.3 (MANE Select); coding-DNA position 440, A replaced by G.
Protein change: p.Tyr147Cys; replaces tyrosine 147 with cysteine.
Molecular consequence: missense variant.
Genome position (GRCh38, 1-based): chr9:129,822,585, T>C on the plus strand (A>G on the coding strand, the complement: TOR1A is on the minus strand). VCF-style: chr9-129822585-T-C. GRCh37 (hg19) VCF-style: chr9-132584864-T-C.
Other names: short protein forms Y147C.
Identifiers: ClinVar variation 4881562 (VCV004881562.2).

ClinVar aggregate classification (germline): Uncertain significance (1 of 4 stars; one submission).

Submission:

Dasa
Classification: Uncertain significance. Last evaluated: 2025-08-12. Review status: criteria provided, single submitter. Criteria: DASA Assertion Criteria. Collection method: clinical testing. Allele origin: germline.
Comment: NM_000113.3(TOR1A):c.440A>G (p.Tyr147Cys) is a missense variant that results in the substitution of tyrosine with cysteine. This variant is rare in population databases. The currently available literature and clinical evidence are not sufficient to establish a definitive association between this variant and the reported condition. Therefore, this variant is classified as a variant of uncertain significance.